The following is an entry in ClinVar:

NM_018834.6(MATR3):c.*1394G>A

Gene: MATR3 (matrin 3; plus strand). Cytogenetic location: 5q31.2.
Variant type: single nucleotide variant.
Coding change: c.*1394G>A on transcript NM_018834.6 (MANE Select); 1394 bases downstream of the stop codon, G replaced by A.
Molecular consequence: 3 prime UTR variant.
Genome position (GRCh38, 1-based): chr5:139,330,789, G>A. VCF-style: chr5-139330789-G-A. GRCh37 (hg19) VCF-style: chr5-138666478-G-A.
Other names: c.*1394G>A (NM_001194954.2, NM_001194955.2, NM_001194956.2 and 2 more transcripts).
Identifiers: ClinVar variation 351171 (VCV000351171.5), dbSNP rs572983701, ClinGen allele CA3433606.
Genomic context (GRCh38, chr5:139,330,789, plus strand): 5'-AATTAGTTCTGCAGCTTTTCAAAATAATTACGTAGAGACTCTTGGTATATTGGATTATCT[G>A]TTGTAAACAATTTTTTTTTCTTCCCTGACACAGGGTCTCACTCTGTCACCCAGACTGGAG-3'

ClinVar aggregate classification (germline): Benign (1 of 4 stars; one submission).

Conditions:
Amyotrophic lateral sclerosis type 21. Also called: VOCAL CORD AND PHARYNGEAL DYSFUNCTION WITH DISTAL MYOPATHY; MYOPATHY, DISTAL, 2. Identifiers: Orphanet 600, Orphanet 803, MedGen C3807521, MONDO:0011632, OMIM 606070.

Allele frequency attached by ClinVar (database versions not stated): ExAC 0.00019; gnomAD exomes 0.00022 and 0.00041; 1000 Genomes Project 30x 0.00156; 1000 Genomes Project 0.00160; gnomAD 0.00217; TOPMed 0.00217.
gnomAD v4.1: 338 of 454,086 alleles (0.074%); highest among the groups gnomAD compares: African/African-American, 0.63%; 2 homozygotes.

Submission:

Illumina Laboratory Services, Illumina
Classification: Benign for Amyotrophic lateral sclerosis type 21. Last evaluated: 2018-01-13. Review status: criteria provided, single submitter. Criteria: ICSL Variant Classification Criteria 13 December 2019. Collection method: clinical testing. Allele origin: germline.
Comment: This variant was observed in the ICSL laboratory as part of a predisposition screen in an ostensibly healthy population. It had not been previously curated by ICSL or reported in the Human Gene Mutation Database (HGMD: prior to June 1st, 2018), and was therefore a candidate for classification through an automated scoring system. Utilizing variant allele frequency, disease prevalence and penetrance estimates, and inheritance mode, an automated score was calculated to assess if this variant is too frequent to cause the disease. Based on the score and internal cut-off values, a variant classified as benign is not then subjected to further curation. The score for this variant resulted in a classification of benign for this disease.